The following is an entry in ClinVar:

NM_003108.4(SOX11):c.459C>T (p.Gly153=)

Gene: SOX11 (SRY-box transcription factor 11; plus strand). Cytogenetic location: 2p25.2.
Variant type: single nucleotide variant.
Coding change: c.459C>T on transcript NM_003108.4 (MANE Select); coding-DNA position 459, C replaced by T.
Protein change: p.Gly153=; no amino-acid change (glycine 153 retained).
Molecular consequence: synonymous variant.
Genome position (GRCh38, 1-based): chr2:5,693,180, C>T. VCF-style: chr2-5693180-C-T. GRCh37 (hg19) VCF-style: chr2-5833312-C-T.
Identifiers: ClinVar variation 493271 (VCV000493271.47), dbSNP rs751093717, ClinGen allele CA1517847.
Genomic context (GRCh38, chr2:5,693,180, plus strand): 5'-CGCCAGCCAGAGCCCAGAGAAGAGCGCGGCCGGCGGCGGCGGCGGGAGCGCGGGCGGAGG[C>T]GCGGGCGGTGCCAAGACCTCCAAGGGCTCCAGCAAGAAATGCGGCAAGCTCAAGGCCCCC-3'
Protein context (NP_003099.1, residues 143-163): AGGGGGSAGG[Gly153=]AGGAKTSKGS

ClinVar aggregate classification (germline): Likely benign. Review status: criteria provided, multiple submitters, no conflicts (2 of 4 stars). 2 submissions from 2 submitters: Likely benign (2). Last evaluated 2024-10-16.

Allele frequency attached by ClinVar (database versions not stated): ExAC below 0.00001; gnomAD 0.00001; gnomAD exomes 0.00001; TOPMed 0.00002.

Submissions (2):

Labcorp Genetics (formerly Invitae), Labcorp
Classification: Likely benign. Last evaluated: 2024-10-16. Review status: criteria provided, single submitter. Criteria: Invitae Variant Classification Sherloc (09022015). Collection method: clinical testing. Allele origin: germline.

CeGaT Center for Human Genetics Tuebingen
Classification: Likely benign. Last evaluated: 2024-06-01. Review status: criteria provided, single submitter. Criteria: CeGaT Center For Human Genetics Tuebingen Variant Classification Criteria Version 2. Collection method: clinical testing. Allele origin: germline. Affected: yes. Observed: 2 variant alleles.
Comment: SOX11: BP4, BP7